The following is an entry in ClinVar:

NM_000443.4(ABCB4):c.3634-1G>C

Gene: ABCB4 (ATP binding cassette subfamily B member 4; minus strand). Cytogenetic location: 7q21.12.
Variant type: single nucleotide variant.
Coding change: c.3634-1G>C on transcript NM_000443.4 (MANE Select); the canonical splice acceptor site of the intron before coding-DNA position 3634, G replaced by C.
Molecular consequence: splice acceptor variant.
Genome position (GRCh38, 1-based): chr7:87,402,303, C>G on the plus strand (G>C on the coding strand, the complement: ABCB4 is on the minus strand). VCF-style: chr7-87402303-C-G. GRCh37 (hg19) VCF-style: chr7-87031619-C-G.
Other names: c.3493-1G>C (NM_018850.3); c.3655-1G>C (NM_018849.3).
Identifiers: ClinVar variation 5000749 (VCV005000749.1).

ClinVar aggregate classification (germline): Likely pathogenic (1 of 4 stars; one submission).

Conditions:
ABCB4-related disorder. Also called: ABCB4-related disorders; ABCB4-related condition.

Submission:

PreventionGenetics, part of Exact Sciences
Classification: Likely pathogenic for ABCB4-related condition. Last evaluated: 2025-06-17. Review status: criteria provided, single submitter. Criteria: ACMG Guidelines, 2015. Collection method: clinical testing. Allele origin: germline.
Comment: The ABCB4 c.3634-1G>C variant is predicted to disrupt the AG splice acceptor site and interfere with normal splicing. To our knowledge, this variant has not been reported in the literature or in a large population database (gnomAD), indicating this variant is rare. Variants that disrupt the consensus splice acceptor site in ABCB4 are expected to be pathogenic. This variant is interpreted as likely pathogenic.